The following is an entry in ClinVar:

NM_152564.5(VPS13B):c.9911A>G (p.Asp3304Gly)

Gene: VPS13B (vacuolar protein sorting 13 homolog B; plus strand). Cytogenetic location: 8q22.2.
Variant type: single nucleotide variant.
Coding change: c.9911A>G on transcript NM_152564.5 (MANE Select); coding-DNA position 9911, A replaced by G.
Protein change: p.Asp3304Gly; replaces aspartic acid 3304 with glycine.
Molecular consequence: missense variant.
Genome position (GRCh38, 1-based): chr8:99,835,707, A>G. VCF-style: chr8-99835707-A-G. GRCh37 (hg19) VCF-style: chr8-100847935-A-G.
Other names: c.9986A>G, p.Asp3329Gly (NM_017890.5); short protein forms D3304G, D3329G.
Identifiers: ClinVar variation 1475307 (VCV001475307.6), dbSNP rs2130866768, ClinGen allele CA371784869.

ClinVar aggregate classification (germline): Uncertain significance (1 of 4 stars; one submission).

Conditions:
Cohen syndrome (COH1). Also called: PEPPER SYNDROME; Cutis verticis gyrata, retinitis pigmentosa, and sensorineural deafness. Identifiers: Orphanet 193, MedGen C0265223, MONDO:0008999, OMIM 216550.

Submission:

Labcorp Genetics (formerly Invitae), Labcorp
Classification: Uncertain significance for Cohen syndrome. Last evaluated: 2023-06-10. Review status: criteria provided, single submitter. Criteria: Invitae Variant Classification Sherloc (09022015). Collection method: clinical testing. Allele origin: germline.
Comment: In summary, the available evidence is currently insufficient to determine the role of this variant in disease. Therefore, it has been classified as a Variant of Uncertain Significance. Advanced modeling of protein sequence and biophysical properties (such as structural, functional, and spatial information, amino acid conservation, physicochemical variation, residue mobility, and thermodynamic stability) performed at Invitae indicates that this missense variant is expected to disrupt VPS13B protein function. ClinVar contains an entry for this variant (Variation ID: 1475307). This variant has not been reported in the literature in individuals affected with VPS13B-related conditions. This variant is not present in population databases (gnomAD no frequency). This sequence change replaces aspartic acid, which is acidic and polar, with glycine, which is neutral and non-polar, at codon 3329 of the VPS13B protein (p.Asp3329Gly).